The following is an entry in ClinVar:

ClinVar aggregate classification (germline): Benign. Review status: criteria provided, multiple submitters, no conflicts (2 of 4 stars). 2 submissions from 2 submitters: Benign (2). Last evaluated 2018-07-13.

Allele frequency attached by ClinVar (database versions not stated): TOPMed 0.11046; 1000 Genomes Project 30x 0.11587; ESP Exome Variant Server 0.11687; gnomAD 0.11806 and 0.11979; 1000 Genomes Project 0.11941; gnomAD exomes 0.13727 and 0.15439; ExAC 0.13845.

Submissions (2):

GeneDx
Classification: Benign. Last evaluated: 2018-07-13. Review status: criteria provided, single submitter. Criteria: GeneDx Variant Classification Process June 2021. Collection method: clinical testing. Allele origin: germline. Affected: yes.
Comment: This variant is associated with the following publications: (PMID: 29632382)

Breakthrough Genomics
Classification: Benign. Review status: criteria provided, single submitter. Criteria: ACMG Guidelines, 2015. Collection method: not provided. Allele origin: germline. Inheritance: Unknown mechanism. Affected: yes.

NM_021821.4(MRPS35):c.127G>A (p.Gly43Arg)

Gene: MRPS35 (mitochondrial ribosomal protein S35; plus strand). Cytogenetic location: 12p11.22.
Variant type: single nucleotide variant.
Coding change: c.127G>A on transcript NM_021821.4 (MANE Select); coding-DNA position 127, G replaced by A.
Protein change: p.Gly43Arg; replaces glycine 43 with arginine.
Molecular consequence: missense variant.
Genome position (GRCh38, 1-based): chr12:27,714,794, G>A. VCF-style: chr12-27714794-G-A. GRCh37 (hg19) VCF-style: chr12-27867727-G-A.
Other names: c.127G>A, p.Gly43Arg (NM_001190864.2); short protein forms G43R.
Identifiers: ClinVar variation 1249307 (VCV001249307.3), dbSNP rs1127787, ClinGen allele CA6494202.